The following is an entry in ClinVar:

NM_001370466.1(NOD2):c.-8-2166A>G

Gene: NOD2 (nucleotide binding oligomerization domain containing 2; plus strand). Cytogenetic location: 16q12.1.
Variant type: single nucleotide variant.
Coding change: c.-8-2166A>G on transcript NM_001370466.1 (MANE Select); 2166 bases into the intron before 8 bases upstream of the start codon, A replaced by G.
Molecular consequence: intron variant.
Genome position (GRCh38, 1-based): chr16:50,697,322, A>G. VCF-style: chr16-50697322-A-G. GRCh37 (hg19) VCF-style: chr16-50731233-A-G.
Other names: c.73+6A>G (NM_022162.3).
Identifiers: ClinVar variation 2095019 (VCV002095019.4), dbSNP rs1361575718, ClinGen allele CA622232391.
Genomic context (GRCh38, chr16:50,697,322, plus strand): 5'-TCAGCCTCTCACGATGAGGAGGAAAGAGCAAGTGTCCTCCTCGGACATTCTCCGGGTAAG[A>G]GGAGCAGGCATTGTCCCGTCCCAGCTTGATCCTCAGCCTTCTTTCATCCTTGGCCGCGAC-3'

ClinVar aggregate classification (germline): Uncertain significance (1 of 4 stars; one submission).

Conditions:
Regional enteritis. Also called: Enteritis, Granulomatous. Identifiers: MedGen C0678202, MeSH D003424.
Blau syndrome (BLAUS). Also called: ARTHROCUTANEOUVEAL GRANULOMATOSIS; GRANULOMATOSIS, FAMILIAL JUVENILE SYSTEMIC; GRANULOMATOSIS, FAMILIAL, BLAU TYPE; GRANULOMATOUS INFLAMMATORY ARTHRITIS, DERMATITIS, AND UVEITIS, FAMILIAL; JABS SYNDROME. Identifiers: Orphanet 90340, MedGen C5201146, MONDO:0008523, OMIM 186580.

Allele frequency attached by ClinVar (database versions not stated): gnomAD exomes 0.00001.

Submission:

Labcorp Genetics (formerly Invitae), Labcorp
Classification: Uncertain significance for Regional enteritis; Blau syndrome. Last evaluated: 2022-02-24. Review status: criteria provided, single submitter. Criteria: Invitae Variant Classification Sherloc (09022015). Collection method: clinical testing. Allele origin: germline.
Comment: In summary, the available evidence is currently insufficient to determine the role of this variant in disease. Therefore, it has been classified as a Variant of Uncertain Significance. Variants that disrupt the consensus splice site are a relatively common cause of aberrant splicing (PMID: 17576681, 9536098). Algorithms developed to predict the effect of sequence changes on RNA splicing suggest that this variant is not likely to affect RNA splicing. This variant has not been reported in the literature in individuals affected with NOD2-related conditions. This variant is present in population databases (no rsID available, gnomAD 0.002%). This sequence change falls in intron 1 of the NOD2 gene. It does not directly change the encoded amino acid sequence of the NOD2 protein. It affects a nucleotide within the consensus splice site.

Literature cited by the submitters: PubMed 17576681; PubMed 9536098.